The following is an entry in ClinVar:

ClinVar aggregate classification (germline): Uncertain significance (1 of 4 stars; one submission).

Conditions:
POLD1-related polyposis and colorectal cancer syndrome (CRCS10). Also called: Colorectal cancer 10; COLORECTAL CANCER, SUSCEPTIBILITY TO, ON CHROMOSOME 19q; Colorectal cancer, susceptibility to, 10. Identifiers: Orphanet 220460, MedGen C2675481, MONDO:0012953, OMIM 612591.

Submission:

Labcorp Genetics (formerly Invitae), Labcorp
Classification: Uncertain significance for POLD1-related polyposis and colorectal cancer syndrome. Last evaluated: 2023-06-22. Review status: criteria provided, single submitter. Criteria: Invitae Variant Classification Sherloc (09022015). Collection method: clinical testing. Allele origin: germline.
Comment: This sequence change replaces leucine, which is neutral and non-polar, with arginine, which is basic and polar, at codon 630 of the POLD1 protein (p.Leu630Arg). This variant is not present in population databases (gnomAD no frequency). This variant has not been reported in the literature in individuals affected with POLD1-related conditions. Advanced modeling of protein sequence and biophysical properties (such as structural, functional, and spatial information, amino acid conservation, physicochemical variation, residue mobility, and thermodynamic stability) performed at Invitae indicates that this missense variant is not expected to disrupt POLD1 protein function. In summary, the available evidence is currently insufficient to determine the role of this variant in disease. Therefore, it has been classified as a Variant of Uncertain Significance.

NM_002691.4(POLD1):c.1889T>G (p.Leu630Arg)

Gene: POLD1 (DNA polymerase delta 1, catalytic subunit; plus strand). Cytogenetic location: 19q13.33.
Variant type: single nucleotide variant.
Coding change: c.1889T>G on transcript NM_002691.4 (MANE Select); coding-DNA position 1889, T replaced by G.
Protein change: p.Leu630Arg; replaces leucine 630 with arginine.
Molecular consequence: missense variant. On other transcripts: non-coding transcript variant (1).
Genome position (GRCh38, 1-based): chr19:50,408,898, T>G. VCF-style: chr19-50408898-T-G. GRCh37 (hg19) VCF-style: chr19-50912155-T-G.
Other names: c.1889T>G, p.Leu630Arg (NM_001256849.1); c.1967T>G, p.Leu656Arg (NM_001308632.1); short protein forms L630R, L656R.
Identifiers: ClinVar variation 2858140 (VCV002858140.3), dbSNP rs2514012408, ClinGen allele CA406982167.